The following is an entry in ClinVar:

NM_004369.4(COL6A3):c.8966-3C>T

Gene: COL6A3 (collagen type VI alpha 3 chain; minus strand). Cytogenetic location: 2q37.3.
Variant type: single nucleotide variant.
Coding change: c.8966-3C>T on transcript NM_004369.4 (MANE Select); 3 bases into the intron before coding-DNA position 8966, C replaced by T.
Molecular consequence: intron variant.
Genome position (GRCh38, 1-based): chr2:237,334,892, G>A on the plus strand (C>T on the coding strand, the complement: COL6A3 is on the minus strand). VCF-style: chr2-237334892-G-A. GRCh37 (hg19) VCF-style: chr2-238243535-G-A.
Other names: c.7145-3C>T (NM_057166.5); c.8348-3C>T (NM_057167.4).
Identifiers: ClinVar variation 2747856 (VCV002747856.3), dbSNP rs190667494, ClinGen allele CA2663791988.
Genomic context (GRCh38, chr2:237,334,892, plus strand): 5'-TGGAGTTTGGCGCTGTTCTCTGTTATCTCAAACACCTGGACTTCACGGGACATCTTAACT[G>A]AAAGATAGATCAGAGCGTGAAGATAAAAAATAAAATCCTCCATGACTGTAGTGCATGAGC-3'

ClinVar aggregate classification (germline): Uncertain significance (1 of 4 stars; one submission).

Conditions:
Bethlem myopathy 1A. Also called: Bethlem myopathy 1; Bethlem Muscular Dystrophy; MYOPATHY, BENIGN CONGENITAL, WITH CONTRACTURES. Identifiers: Orphanet 610, MedGen CN029274, MONDO:0024530, OMIM 158810.

gnomAD v4.1: 1 of 1,614,060 alleles (0.000062%); highest among the groups gnomAD compares: Non-Finnish European, 0.000085%; no homozygotes.

Submission:

Labcorp Genetics (formerly Invitae), Labcorp
Classification: Uncertain significance for Bethlem myopathy 1A. Last evaluated: 2023-12-11. Review status: criteria provided, single submitter. Criteria: Invitae Variant Classification Sherloc (09022015). Collection method: clinical testing. Allele origin: germline.
Comment: This sequence change falls in intron 40 of the COL6A3 gene. It does not directly change the encoded amino acid sequence of the COL6A3 protein. It affects a nucleotide within the consensus splice site. This variant is not present in population databases (gnomAD no frequency). This variant has not been reported in the literature in individuals affected with COL6A3-related conditions. Variants that disrupt the consensus splice site are a relatively common cause of aberrant splicing (PMID: 17576681, 9536098). Algorithms developed to predict the effect of sequence changes on RNA splicing suggest that this variant is not likely to affect RNA splicing. In summary, the available evidence is currently insufficient to determine the role of this variant in disease. Therefore, it has been classified as a Variant of Uncertain Significance.

Literature cited by the submitters: PubMed 17576681; PubMed 9536098.